The following is an entry in ClinVar:

NM_000051.4(ATM):c.8399A>C (p.Gln2800Pro)

Genes: ATM (ATM serine/threonine kinase; plus strand), C11orf65 (chromosome 11 open reading frame 65; minus strand). Cytogenetic location: 11q22.3.
Variant type: single nucleotide variant.
Coding change: c.8399A>C on transcript NM_000051.4 (MANE Select); coding-DNA position 8399, A replaced by C.
Protein change: p.Gln2800Pro; replaces glutamine 2800 with proline.
Molecular consequence: missense variant. On other transcripts: intron variant (2).
Genome position (GRCh38, 1-based): chr11:108,343,352, A>C. VCF-style: chr11-108343352-A-C. GRCh37 (hg19) VCF-style: chr11-108214079-A-C.
Other names: c.8399A>C, p.Gln2800Pro (NM_001351834.2); c.641-34281T>G (NM_001330368.2); c.695-8060T>G (NM_001351110.2); short protein forms Q2800P.
Identifiers: ClinVar variation 246467 (VCV000246467.14), dbSNP rs879254273, ClinGen allele CA10584375.
Genomic context (GRCh38, chr11:108,343,352, plus strand): 5'-TTGTTAACAATGAAGATGGTGCTCATAAAAGATACAGGCCAAATGATTTCAGTGCCTTTC[A>C]GTGCCAAAAGAAAATGATGGTGAGTGACACCCAAAATTAAAGGTTATTGTAAGATTATTT-3'
Protein context (NP_000042.3, residues 2790-2810): RYRPNDFSAF[Gln2800Pro]CQKKMMEVQK

ClinVar aggregate classification (germline): Uncertain significance. Review status: criteria provided, multiple submitters, no conflicts (2 of 4 stars). 3 submissions from 3 submitters: Uncertain significance (3). Last evaluated 2025-12-13.

Conditions:
Hereditary cancer-predisposing syndrome. Also called: Neoplastic Syndromes, Hereditary; Hereditary neoplastic syndrome; Tumor predisposition; Hereditary Cancer Syndrome. Identifiers: Orphanet 140162, MedGen C0027672, MeSH D009386, MONDO:0015356.
Ataxia-telangiectasia syndrome (AT). Also called: Ataxia telangiectasia (A-T); Cerebello-oculocutaneous telangiectasia; Immunodeficiency with ataxia telangiectasia; LOUIS-BAR SYNDROME; AT, COMPLEMENTATION GROUP C; ATAXIA-TELANGIECTASIA, FRESNO VARIANT. Identifiers: Orphanet 100, MedGen C0004135, MONDO:0008840, OMIM 208900.

Submissions (3):

Ambry Genetics
Classification: Uncertain significance for Hereditary cancer-predisposing syndrome. Last evaluated: 2025-12-13. Review status: criteria provided, single submitter. Criteria: Ambry Variant Classification Scheme 2023. Collection method: clinical testing. Allele origin: germline.
Comment: The p.Q2800P variant (also known as c.8399A>C), located in coding exon 56 of the ATM gene, results from an A to C substitution at nucleotide position 8399. The glutamine at codon 2800 is replaced by proline, an amino acid with similar properties. This amino acid position is not well conserved in available vertebrate species. In addition, the in silico prediction for this alteration is inconclusive. Since supporting evidence is limited at this time, the clinical significance of this alteration remains unclear.

Labcorp Genetics (formerly Invitae), Labcorp
Classification: Uncertain significance for Ataxia-telangiectasia syndrome. Last evaluated: 2025-07-13. Review status: criteria provided, single submitter. Criteria: Invitae Variant Classification Sherloc (09022015). Collection method: clinical testing. Allele origin: germline.
Comment: This sequence change replaces glutamine, which is neutral and polar, with proline, which is neutral and non-polar, at codon 2800 of the ATM protein (p.Gln2800Pro). This variant is not present in population databases (gnomAD no frequency). This variant has not been reported in the literature in individuals affected with ATM-related conditions. ClinVar contains an entry for this variant (Variation ID: 246467). Invitae Evidence Modeling of protein sequence and biophysical properties (such as structural, functional, and spatial information, amino acid conservation, physicochemical variation, residue mobility, and thermodynamic stability) indicates that this missense variant is not expected to disrupt ATM protein function with a negative predictive value of 95%. In summary, the available evidence is currently insufficient to determine the role of this variant in disease. Therefore, it has been classified as a Variant of Uncertain Significance.

GeneDx
Classification: Uncertain significance. Last evaluated: 2016-03-03. Review status: criteria provided, single submitter. Criteria: GeneDx Variant Classification (06012015). Collection method: clinical testing. Allele origin: germline. Affected: yes.
Comment: This variant is denoted ATM c.8399A>C at the cDNA level, p.Gln2800Pro (Q2800P) at the protein level, and results in the change of a Glutamine to a Proline (CAG>CCG). This variant has not, to our knowledge, been published in the literature as pathogenic or benign. ATM Gln2800Pro was not observed in approximately 6,500 individuals of European and African American ancestry in the NHLBI Exome Sequencing Project, suggesting it is not a common benign variant in these populations. Since Glutamine and Proline differ in polarity, charge, size or other properties, this is considered a non-conservative amino acid substitution. ATM Gln2800Pro occurs at a position that is not conserved and is located in the PI3-PI4 kinase domain (Tavitigian 2009, Stracker 2013). In silico analyses are inconsistent regarding the effect this variant may have on protein structure and function. Based on currently available evidence, it is unclear whether ATM Gln2800Pro is a pathogenic or benign variant. We consider it to be a variant of uncertain significance.